The following is an entry in ClinVar:

NM_000441.2(SLC26A4):c.716T>A (p.Val239Asp)

Gene: SLC26A4 (solute carrier family 26 member 4; plus strand). Cytogenetic location: 7q22.3.
Variant type: single nucleotide variant.
Coding change: c.716T>A on transcript NM_000441.2 (MANE Select); coding-DNA position 716, T replaced by A.
Protein change: p.Val239Asp; replaces valine 239 with aspartic acid.
Molecular consequence: missense variant.
Genome position (GRCh38, 1-based): chr7:107,675,060, T>A. VCF-style: chr7-107675060-T-A. GRCh37 (hg19) VCF-style: chr7-107315505-T-A.
Other names: short protein forms V239D.
Identifiers: ClinVar variation 43566 (VCV000043566.71), dbSNP rs111033256, ClinGen allele CA261438.

ClinVar aggregate classification (germline): Pathogenic. Review status: criteria provided, multiple submitters, no conflicts (2 of 4 stars). 35 submissions from 34 submitters: Pathogenic (26). 9 of the submissions do not count toward it. Last evaluated 2026-08-01.

Conditions:
Deafness. Identifiers: MedGen C0011053.
Rare genetic deafness. Identifiers: Orphanet 96210, MedGen C5680250.
SLC26A4-related disorder. Also called: SLC26A4-related disorders; SLC26A4-related condition.
Sensorineural hearing loss disorder. Also called: Sensorineural hearing impairment; Sensorineural Deafness; Sensorineural hearing loss. Identifiers: MedGen C0018784, MeSH D006319, MONDO:0020678, HP:0000407.
Autosomal recessive nonsyndromic hearing loss 4 (DFNB4). Also called: Deafness, autosomal recessive 4, with enlarged vestibular aqueduct; Deafness, autosomal recessive 4; Enlarged vestibular aqueduct, digenic; FOXI1-Related Pendred Syndrome; KCNJ10-Related Pendred Syndrome; Nonsyndromic enlarged vestibular aqueduct (NSEVA). Identifiers: Orphanet 90636, MedGen C3538946, MONDO:0010933, OMIM 600791.
Pendred syndrome (PDS). Also called: Pendred's syndrome; Pendred Syndrome (PDS); THYROID DYSHORMONOGENESIS 2B; THYROID HORMONOGENESIS, GENETIC DEFECT IN, 2B; DEAFNESS WITH GOITER; GOITER-DEAFNESS SYNDROME. Identifiers: Orphanet 705, MedGen C0271829, MONDO:0010134, OMIM 274600.
Hearing loss, autosomal recessive. Also called: Autosomal recessive nonsyndromic deafness; Rare autosomal recessive non-syndromic sensorineural deafness type DFNB; Nonsyndromic Hearing Loss, Recessive; Deafness, autosomal recessive. Identifiers: Orphanet 90635, Orphanet 90636, MedGen C1846647, MONDO:0019588, OMIM 607197.

Allele frequency attached by ClinVar (database versions not stated): gnomAD exomes 0.00010 and 0.00020; 1000 Genomes Project 0.00020; ExAC 0.00024; gnomAD below 0.00001 and 0.00005; 1000 Genomes Project 30x 0.00016; TOPMed 0.00001.
gnomAD v4.1: 154 of 1,613,904 alleles (0.0095%); highest among the groups gnomAD compares: South Asian, 0.16%; no homozygotes.

Submissions 1 to 12 of 35:

CeGaT Center for Human Genetics Tuebingen
Classification: Pathogenic. Last evaluated: 2026-08-01. Review status: criteria provided, single submitter. Criteria: CeGaT Center For Human Genetics Tuebingen Variant Classification Criteria Version 2. Collection method: clinical testing. Allele origin: germline. Affected: yes. Observed: 2 variant alleles.
Comment: SLC26A4: PM3:Strong, PP1:Strong, PM2, PS3:Supporting

Victorian Clinical Genetics Services, Murdoch Childrens Research Institute
Classification: Pathogenic for Pendred syndrome. Last evaluated: 2026-06-22. Review status: criteria provided, single submitter. Criteria: ACMG Guidelines, 2015. Collection method: clinical testing. Allele origin: germline. Affected: no.
Comment: This variant is classified as Pathogenic. Evidence in support of pathogenic classification: Variant is present in gnomAD <0.01 for a recessive condition (v4: 154 heterozygote(s), 0 homozygote(s)); This variant has strong previous evidence of pathogenicity in unrelated individuals. This variant has been classified as likely pathogenic/pathogenic by many clinical laboratories in ClinVar. Additionally, it has been reported in many affected individuals in the literature (PMID: 23504402); Moderate functional evidence supporting abnormal protein function (PMID: 22116360, 16460646); Missense variant predicted to be damaging by in silico tool(s) or highly conserved with a major amino acid change. Additional information: Variant is predicted to result in a missense amino acid change from Val to Asp - This variant is heterozygous; This gene is associated with autosomal recessive disease; Variant is located in the annotated sulfate permease family domain (DECIPHER); Loss of function is a known mechanism of disease in this gene and is associated with deafness with enlarged vestibular aqueduct 4 (MIM#600791), and Pendred syndrome (MIM#274600); Variants in this gene are known to have variable expressivity (PMID: 20301640); Inheritance information for this variant is not currently available in this individual.

Labcorp Genetics (formerly Invitae), Labcorp
Classification: Pathogenic. Last evaluated: 2026-01-26. Review status: criteria provided, single submitter. Criteria: Invitae Variant Classification Sherloc (09022015). Collection method: clinical testing. Allele origin: germline.
Comment: This sequence change replaces valine, which is neutral and non-polar, with aspartic acid, which is acidic and polar, at codon 239 of the SLC26A4 protein (p.Val239Asp). This variant is present in population databases (rs111033256, gnomAD 0.2%). This missense change has been observed in individuals with SLC26A4-related conditions (PMID: 12974744, 16460646, 23770805, 25394566). It has also been observed to segregate with disease in related individuals. ClinVar contains an entry for this variant (Variation ID: 43566). Invitae Evidence Modeling of protein sequence and biophysical properties (such as structural, functional, and spatial information, amino acid conservation, physicochemical variation, residue mobility, and thermodynamic stability) indicates that this missense variant is expected to disrupt SLC26A4 protein function with a positive predictive value of 95%. Experimental studies have shown that this missense change affects SLC26A4 function (PMID: 16460646, 22116360). For these reasons, this variant has been classified as Pathogenic.

PreventionGenetics, part of Exact Sciences
Classification: Pathogenic for SLC26A4-related condition. Last evaluated: 2026-01-21. Review status: criteria provided, single submitter. Criteria: ACMG Guidelines, 2015. Collection method: clinical testing. Allele origin: germline.
Comment: The SLC26A4 c.716T>A variant is predicted to result in the amino acid substitution p.Val239Asp. This variant occurs at elevated frequencies in South Asian populations (0.17% of alleles in gnomAD) and is one of the most commonly reported variants in individuals from this region with SLC26A4-related hearing loss (see for example, Park et al. 2003. PubMed ID: 12676893; Anwar et al. 2009. PubMed ID: 19287372; Richard et al. 2019. PubMed ID: 30303587). This variant has also been observed to co-segregate with deafness in several large, multi-generational families in a manner consistent with autosomal recessive inheritance (Walsh et al. 2006. PubMed ID: 16460646; Khan et al. 2013. PubMed ID: 23504402; Azadegan-Dehkordi et al. 2018. PubMed ID: 30077349). In vitro experimental studies have demonstrated that this variant leads to improper cellular localization of the mutant pendrin protein and a loss of bicarbonate and iodide transport function (Walsh et al. 2006. PubMed ID: 16460646; Dossena et al. 2011. PubMed ID: 22116360; Wasano et al. 2020. PubMed ID: 31599023). Taken together, this variant is interpreted as pathogenic.

Genetics Research Center, University of Social Welfare and Rehabilitation Sciences
Classification: Pathogenic for Autosomal recessive nonsyndromic hearing loss 4. Last evaluated: 2025-12-09. Review status: criteria provided, single submitter. Criteria: ACMG Guidelines, 2015. Collection method: research. Allele origin: germline. Affected: yes.
Comment: The variant is present at a very low frequency in the gnomAD v2.1.1 dataset (allele frequency: 0.01%). The variant is predicted to be damaging by multiple in-silico tools. Previous studies have reported its association with SLC26A4-related disorders (PMID:30077349, 33199029, 23965030, 31599023, 27771369, 23504402, 23336812, 19287372, PMID:12974744, 12676893, 25394566, 22116360, 30303587, 23770805, 32747562). In vitro functional studies support an impact on protein function and have shown that protein trafficking is affected and iodide trasport activity is reduced (PMID: 16460646, 22116360, 19287372).

Laboratory of Dr. Barbara Vona, University Medical Center Göttingen
Classification: Pathogenic for Sensorineural hearing loss disorder. Last evaluated: 2024-12-20. Review status: criteria provided, single submitter. Criteria: ClinGen HL ACMG Specifications v1. Collection method: clinical testing. Allele origin: germline. Affected: yes.

3billion
Classification: Pathogenic for Autosomal recessive nonsyndromic hearing loss 4. Last evaluated: 2024-12-06. Review status: criteria provided, single submitter. Criteria: ACMG Guidelines, 2015. Collection method: clinical testing. Allele origin: germline. Affected: yes.
Comment: The variant is observed at an extremely low frequency in the gnomAD v4.1.0 dataset (total allele frequency: 0.010%). Predicted Consequence/Location: Missense variant Functional studies provide strong evidence of the variant having a damaging effect on the gene or gene product (PMID: 31599023). In silico tool predictions suggest damaging effect of the variant on gene or gene product [REVEL: 0.94 (>=0.6, sensitivity 0.68 and specificity 0.92)]. The same nucleotide change resulting in the same amino acid change has been previously reported as pathogenic/likely pathogenic with strong evidence (ClinVar ID: VCV000043566 /PMID: 12676893 /3billion dataset). The variant has been reported to be in trans with a pathogenic variant as either compound heterozygous or homozygous in at least 2 similarly affected unrelated individuals (PMID: 12676893, 23504402, 30303587). Therefore, this variant is classified as Pathogenic according to the recommendation of ACMG/AMP guideline.

Center for Statistical Genetics, Columbia University
Classification: Pathogenic for Pendred syndrome. Last evaluated: 2024-11-08. Review status: criteria provided, single submitter. Criteria: ACMG Guidelines, 2015. Collection method: research. Allele origin: germline. Inheritance: Autosomal recessive inheritance. Affected: yes. Observed: 2 compound heterozygotes.

Blueprint Genetics
Classification: Pathogenic for SLC26A4-related disorders. Last evaluated: 2024-10-04. Review status: criteria provided, single submitter. Criteria: ACMG Guidelines, 2015. Collection method: clinical testing. Allele origin: germline. Affected: yes. Observed: 5 variant alleles.

Dubai Health Genomic Medicine Center, Dubai Health
Classification: Pathogenic for Deafness. Last evaluated: 2024-10-04. Review status: criteria provided, single submitter. Criteria: ACMG Guidelines, 2015. Collection method: research. Allele origin: germline. Affected: yes.
Comment: PM3_VeryStrong, PS3, PP4

Fulgent Genetics
Classification: Pathogenic for Pendred syndrome; Autosomal recessive nonsyndromic hearing loss 4. Last evaluated: 2024-03-28. Review status: criteria provided, single submitter. Criteria: ACMG Guidelines, 2015. Collection method: clinical testing. Allele origin: germline.

Baylor Genetics
Classification: Pathogenic for Autosomal recessive nonsyndromic hearing loss 4. Last evaluated: 2024-03-27. Review status: criteria provided, single submitter. Criteria: ACMG Guidelines, 2015. Collection method: clinical testing. Allele origin: unknown.